The following is an entry in ClinVar:

NM_006662.3(SRCAP):c.3177G>A (p.Pro1059=)

Gene: SRCAP (Snf2 related CREBBP activator protein; plus strand). Cytogenetic location: 16p11.2.
Variant type: single nucleotide variant.
Coding change: c.3177G>A on transcript NM_006662.3 (MANE Select); coding-DNA position 3177, G replaced by A.
Protein change: p.Pro1059=; no amino-acid change (proline 1059 retained).
Molecular consequence: synonymous variant.
Genome position (GRCh38, 1-based): chr16:30,720,902, G>A. VCF-style: chr16-30720902-G-A. GRCh37 (hg19) VCF-style: chr16-30732223-G-A.
Identifiers: ClinVar variation 2158243 (VCV002158243.28), dbSNP rs1357555229, ClinGen allele CA494908706.
Genomic context (GRCh38, chr16:30,720,902, plus strand): 5'-CCCAGTCCCCCAAGTGCTGCCAGCATCACTGATGGTTTCAGCCTCACCTGCCGGGCCCCC[G>A]CTTATTCCTGCATCTCGGCCTCCTGGCCCTGTCCTCTTGCCTCCACTGCAGCCCAACAGT-3'
Protein context (NP_006653.2, residues 1049-1069): LMVSASPAGP[Pro1059=]LIPASRPPGP

ClinVar aggregate classification (germline): Likely benign. Review status: criteria provided, multiple submitters, no conflicts (2 of 4 stars). 2 submissions from 2 submitters: Likely benign (2). Last evaluated 2023-10-03.

Allele frequency attached by ClinVar (database versions not stated): gnomAD exomes 0.00001.
gnomAD v4.1: 8 of 1,614,040 alleles (0.0005%); highest among the groups gnomAD compares: Middle Eastern, 0.033%; no homozygotes.

Submissions (2):

Labcorp Genetics (formerly Invitae), Labcorp
Classification: Likely benign. Last evaluated: 2023-10-03. Review status: criteria provided, single submitter. Criteria: Invitae Variant Classification Sherloc (09022015). Collection method: clinical testing. Allele origin: germline.

CeGaT Center for Human Genetics Tuebingen
Classification: Likely benign. Last evaluated: 2023-02-01. Review status: criteria provided, single submitter. Criteria: CeGaT Center For Human Genetics Tuebingen Variant Classification Criteria Version 2. Collection method: clinical testing. Allele origin: germline. Affected: yes. Observed: 1 variant allele.
Comment: SRCAP: BP4, BP7